The following is an entry in ClinVar:

ClinVar aggregate classification (germline): Uncertain significance (1 of 4 stars; one submission).

Submission:

Women's Health and Genetics/Laboratory Corporation of America, LabCorp
Classification: Uncertain significance. Last evaluated: 2020-12-11. Review status: criteria provided, single submitter. Criteria: LabCorp Variant Classification Summary - May 2015. Collection method: clinical testing. Allele origin: germline.
Comment: Variant summary: SMARCA2 c.1534G>A (p.Glu512Lys) results in a conservative amino acid change in the encoded protein sequence. Four of five in-silico tools predict a damaging effect of the variant on protein function. The variant was absent in 251456 control chromosomes (gnomAD). The available data on variant occurrences in the general population are insufficient to allow any conclusion about variant significance. To our knowledge, no occurrence of c.1534G>A in individuals affected with Nicolaides-Baraitser Syndrome and no experimental evidence demonstrating its impact on protein function have been reported. No clinical diagnostic laboratories have submitted clinical-significance assessments for this variant to ClinVar after 2014. Based on the evidence outlined above, the variant was classified as uncertain significance.

NM_003070.5(SMARCA2):c.1534G>A (p.Glu512Lys)

Gene: SMARCA2 (SWI/SNF related, matrix associated, actin dependent regulator of chromatin, subfamily a, member 2; plus strand). Cytogenetic location: 9p24.3.
Variant type: single nucleotide variant.
Coding change: c.1534G>A on transcript NM_003070.5 (MANE Select); coding-DNA position 1534, G replaced by A.
Protein change: p.Glu512Lys; replaces glutamic acid 512 with lysine.
Molecular consequence: missense variant.
Genome position (GRCh38, 1-based): chr9:2,060,828, G>A. VCF-style: chr9-2060828-G-A. GRCh37 (hg19) VCF-style: chr9-2060828-G-A.
Other names: c.1534G>A, p.Glu512Lys (NM_001289396.2, NM_001289397.2, NM_139045.4); short protein forms E512K.
Identifiers: ClinVar variation 992210 (VCV000992210.1), dbSNP rs1820557172, ClinGen allele CA372782393.